The following is an entry in ClinVar:

ClinVar aggregate classification (germline): Pathogenic (1 of 4 stars; one submission).

Conditions:
Duchenne muscular dystrophy (DMD). Also called: MUSCULAR DYSTROPHY, PSEUDOHYPERTROPHIC PROGRESSIVE, DUCHENNE TYPE; Duchenne Muscular Dystrophy (DMD). Identifiers: Orphanet 98896, MedGen C0013264, MONDO:0010679, OMIM 310200.

Submission:

Labcorp Genetics (formerly Invitae), Labcorp
Classification: Pathogenic for Duchenne muscular dystrophy. Last evaluated: 2018-07-27. Review status: criteria provided, single submitter. Criteria: Invitae Variant Classification Sherloc (09022015). Collection method: clinical testing. Allele origin: germline.
Comment: This variant is an out-of-frame deletion of the genomic region encompassing exons 18-29 of the DMD gene. This is expected to create a premature translational stop signal and result in an absent or disrupted protein product. This variant has been observed in individuals affected with dystrophinopathy (PMID: 22234189, 28610567). Loss-of-function variants in DMD are known to be pathogenic (PMID: 16770791, 25007885). For these reasons, this variant has been classified as Pathogenic.

Literature cited by the submitters: PubMed 22234189; PubMed 28610567.

NC_000023.11:g.(?_32438221)_(32518151_?)del

Gene: DMD (dystrophin; minus strand). Cytogenetic location: Xp21.1.
Variant type: Deletion.
Identifiers: ClinVar variation 654108 (VCV000654108.1).